The following is an entry in ClinVar:

ClinVar aggregate classification (germline): Uncertain significance (1 of 4 stars; one submission).

gnomAD v4.1: 14 of 1,583,356 alleles (0.00088%); highest among the groups gnomAD compares: South Asian, 0.0012%; no homozygotes.

Submission:

Labcorp Genetics (formerly Invitae), Labcorp
Classification: Uncertain significance. Last evaluated: 2025-09-27. Review status: criteria provided, single submitter. Criteria: Invitae Variant Classification Sherloc (09022015). Collection method: clinical testing. Allele origin: germline.
Comment: This sequence change replaces valine, which is neutral and non-polar, with isoleucine, which is neutral and non-polar, at codon 837 of the STAG1 protein (p.Val837Ile). This variant is not present in population databases (gnomAD no frequency). This variant has not been reported in the literature in individuals affected with STAG1-related conditions. Invitae Evidence Modeling of protein sequence and biophysical properties (such as structural, functional, and spatial information, amino acid conservation, physicochemical variation, residue mobility, and thermodynamic stability) indicates that this missense variant is not expected to disrupt STAG1 protein function with a negative predictive value of 80%. In summary, the available evidence is currently insufficient to determine the role of this variant in disease. Therefore, it has been classified as a Variant of Uncertain Significance.

NM_005862.3(STAG1):c.2509G>A (p.Val837Ile)

Gene: STAG1 (STAG1 cohesin complex component; minus strand). Cytogenetic location: 3q22.3.
Variant type: single nucleotide variant.
Coding change: c.2509G>A on transcript NM_005862.3 (MANE Select); coding-DNA position 2509, G replaced by A.
Protein change: p.Val837Ile; replaces valine 837 with isoleucine.
Molecular consequence: missense variant.
Genome position (GRCh38, 1-based): chr3:136,369,144, C>T on the plus strand (G>A on the coding strand, the complement: STAG1 is on the minus strand). VCF-style: chr3-136369144-C-T. GRCh37 (hg19) VCF-style: chr3-136087986-C-T.
Other names: short protein forms V837I.
Identifiers: ClinVar variation 4762474 (VCV004762474.1).